The following is an entry in ClinVar:

NM_002528.7(NTHL1):c.792G>C (p.Arg264Ser)

Gene: NTHL1 (nth like DNA glycosylase 1; minus strand). Cytogenetic location: 16p13.3.
Variant type: single nucleotide variant.
Coding change: c.792G>C on transcript NM_002528.7 (MANE Select); coding-DNA position 792, G replaced by C.
Protein change: p.Arg264Ser; replaces arginine 264 with serine.
Molecular consequence: missense variant.
Genome position (GRCh38, 1-based): chr16:2,040,047, C>G on the plus strand (G>C on the coding strand, the complement: NTHL1 is on the minus strand). VCF-style: chr16-2040047-C-G. GRCh37 (hg19) VCF-style: chr16-2090048-C-G.
Other names: c.621G>C, p.Arg207Ser (NM_001318193.2); c.462G>C, p.Arg154Ser (NM_001318194.2); short protein forms R154S, R207S, R264S.
Identifiers: ClinVar variation 2451095 (VCV002451095.2), dbSNP rs2150937985, ClinGen allele CA394287659.

ClinVar aggregate classification (germline): Uncertain significance (1 of 4 stars; one submission).

Conditions:
Hereditary cancer-predisposing syndrome. Also called: Neoplastic Syndromes, Hereditary; Tumor predisposition; Hereditary neoplastic syndrome; Hereditary Cancer Syndrome. Identifiers: Orphanet 140162, MedGen C0027672, MeSH D009386, MONDO:0015356.

Submission:

Ambry Genetics
Classification: Uncertain significance for Hereditary cancer-predisposing syndrome. Last evaluated: 2022-11-04. Review status: criteria provided, single submitter. Criteria: Ambry Variant Classification Scheme 2023. Collection method: clinical testing. Allele origin: germline.
Comment: The p.R272S variant (also known as c.816G>C) is located in coding exon 6 of the NTHL1 gene. The arginine at codon 272 is replaced by serine, an amino acid with dissimilar properties. This change occurs in the first base pair of coding exon 6. This amino acid position is conserved. In addition, the in silico prediction for this alteration is inconclusive. Since supporting evidence is limited at this time, the clinical significance of this alteration remains unclear.